The following is an entry in ClinVar:

NM_000179.2(MSH6):c.3647delG

Gene: MSH6 (mutS homolog 6; plus strand). Cytogenetic location: 2p16.3.
Variant type: Deletion.
Coding change: c.3647delG on transcript NM_000179.2; coding-DNA position 3647, one base deleted (G).
Genome position (GRCh38, 1-based): chr2:47,806,204, G deleted; the last of 2 consecutive G bases (chr2:47,806,203-47,806,204); deleting either gives the same sequence. VCF-style (leftmost placement, unchanged base first): chr2-47806202-AG-A. GRCh37 (hg19) VCF-style: chr2-48033341-AG-A.
Other names: c.3647del (NM_000179.2).
Identifiers: ClinVar variation 422205 (VCV000422205.18), dbSNP rs1064795629, ClinGen allele CA16617705.

ClinVar aggregate classification (germline): Pathogenic/Likely pathogenic. Review status: criteria provided, multiple submitters, no conflicts (2 of 4 stars). 5 submissions from 5 submitters: Pathogenic (4); Likely pathogenic (1). Last evaluated 2025-09-22.

Conditions:
Hereditary nonpolyposis colon cancer (HNPCC). Also called: Hereditary Nonpolyposis Colorectal Cancer Syndrome; Hereditary nonpolyposis colorectal cancer; Familial nonpolyposis colon cancer. Identifiers: Orphanet 443909, MedGen C1333990, MONDO:0018630. Disease mechanism: loss of function.
Hereditary nonpolyposis colorectal neoplasms. Identifiers: MedGen C0009405, MeSH D003123.
Hereditary cancer-predisposing syndrome. Also called: Neoplastic Syndromes, Hereditary; Hereditary Cancer Syndrome; Tumor predisposition; Hereditary neoplastic syndrome. Identifiers: Orphanet 140162, MedGen C0027672, MeSH D009386, MONDO:0015356.
Lynch syndrome 5 (LYNCH5). Also called: Colorectal cancer, hereditary nonpolyposis, type 5; Hereditary non-polyposis colorectal cancer, type 5. Identifiers: Orphanet 144, MedGen C1833477, MONDO:0013710, OMIM 614350. Disease mechanism: loss of function.

Submissions (5):

Labcorp Genetics (formerly Invitae), Labcorp
Classification: Pathogenic for Hereditary nonpolyposis colorectal neoplasms. Last evaluated: 2025-09-22. Review status: criteria provided, single submitter. Criteria: Invitae Variant Classification Sherloc (09022015). Collection method: clinical testing. Allele origin: germline.
Comment: This sequence change creates a premature translational stop signal (p.Gly1216Glufs*12) in the MSH6 gene. It is expected to result in an absent or disrupted protein product. Loss-of-function variants in MSH6 are known to be pathogenic (PMID: 18269114, 24362816). This variant is not present in population databases (gnomAD no frequency). This variant has not been reported in the literature in individuals affected with MSH6-related conditions. ClinVar contains an entry for this variant (Variation ID: 422205). Algorithms developed to predict the effect of sequence changes on RNA splicing suggest that this variant may disrupt the consensus splice site. For these reasons, this variant has been classified as Pathogenic.

Myriad Genetics, Inc.
Classification: Pathogenic for Lynch syndrome 5. Last evaluated: 2023-08-24. Review status: criteria provided, single submitter. Criteria: Myriad Autosomal Dominant, Autosomal Recessive and X-Linked Classification Criteria (2023). Collection method: clinical testing. Allele origin: unknown.
Comment: This variant is considered pathogenic. This variant creates a frameshift predicted to result in premature protein truncation.

Ambry Genetics
Classification: Pathogenic for Hereditary cancer-predisposing syndrome. Last evaluated: 2023-03-06. Review status: criteria provided, single submitter. Criteria: Ambry Variant Classification Scheme 2023. Collection method: clinical testing. Allele origin: germline.
Comment: The c.3647delG pathogenic mutation, located in coding exon 8 of the MSH6 gene, results from a deletion of one nucleotide at nucleotide position 3647, causing a translational frameshift with a predicted alternate stop codon (p.G1216Efs*12). This variant is considered to be rare based on population cohorts in the Genome Aggregation Database (gnomAD). This alteration is expected to result in loss of function by premature protein truncation or nonsense-mediated mRNA decay. As such, this alteration is interpreted as a disease-causing mutation.

Women's Health and Genetics/Laboratory Corporation of America, LabCorp
Classification: Likely pathogenic for Lynch syndrome. Last evaluated: 2019-05-09. Review status: criteria provided, single submitter. Criteria: LabCorp Variant Classification Summary - May 2015. Collection method: clinical testing. Allele origin: germline.
Comment: Variant summary: MSH6 c.3647delG (p.Gly1216GlufsX12) results in a premature termination codon, predicted to cause a truncation of the encoded protein or absence of the protein due to nonsense mediated decay, which are commonly known mechanisms for disease. Truncations downstream of this position have been classified as pathogenic by our laboratory. The variant also affects an exonic splice region, i.e. the first nucleotide of exon 8, and therefore it could affect mRNA splicing, leading to a significantly altered protein sequence. Some computational tools predict significant impact on normal splicing: one predicts the variant abolishes a 3' acceptor site, while another one predicts the variant weakens a 3' acceptor site. These predictions however have not been confirmed by functional studies. The variant was absent in 251160 control chromosomes (gnomAD). To our knowledge, no occurrence of c.3647delG in individuals affected with Hereditary Non-Polyposis Colon Cancer and no experimental evidence demonstrating its impact on protein function have been reported. Two clinical diagnostic laboratories have submitted clinical-significance assessments for this variant to ClinVar after 2014 without evidence for independent evaluation, and both of them classified the variant as pathogenic. Based on the evidence outlined above, the variant was classified as likely pathogenic.

GeneDx
Classification: Pathogenic. Last evaluated: 2016-09-02. Review status: criteria provided, single submitter. Criteria: GeneDx Variant Classification (06012015). Collection method: clinical testing. Allele origin: germline. Affected: yes.
Comment: This deletion of one nucleotide in MSH6 is denoted c.3647delG at the cDNA level and p.Gly1216GlufsX12 (G1216EfsX12) at the protein level. The normal sequence, with the base that is deleted in braces, is ACAG[G]AAGA. The deletion causes a frameshift which changes a Glycine to a Glutamic Acid at codon 1216, and creates a premature stop codon at position 12 of the new reading frame. Although this variant has not, to our knowledge, been reported in the literature, it is predicted to cause loss of normal protein function through either protein truncation or nonsense-mediated mRNA decay. We consider this variant to be pathogenic.

Literature cited by the submitters: PubMed 18269114 (cited by Labcorp Genetics (formerly Invitae), Labcorp); PubMed 24362816 (cited by Labcorp Genetics (formerly Invitae), Labcorp).